The following is an entry in ClinVar:

ClinVar aggregate classification (germline): Benign (1 of 4 stars; one submission).

Allele frequency attached by ClinVar (database versions not stated): gnomAD 0.05233 and 0.05349; TOPMed 0.05867; 1000 Genomes Project 30x 0.09011; 1000 Genomes Project 0.09219.
gnomAD v4.1: 5,918 of 110,809 alleles (5.3%); highest among the groups gnomAD compares: East Asian, 14%; 167 homozygotes.

Submission:

GeneDx
Classification: Benign. Last evaluated: 2018-06-14. Review status: criteria provided, single submitter. Criteria: GeneDx Variant Classification (06012015). Collection method: clinical testing. Allele origin: germline. Affected: yes.
Comment: This variant is considered likely benign or benign based on one or more of the following criteria: it is a conservative change, it occurs at a poorly conserved position in the protein, it is predicted to be benign by multiple in silico algorithms, and/or has population frequency not consistent with disease.

NM_004006.3(DMD):c.3162+254T>G

Gene: DMD (dystrophin; minus strand). Cytogenetic location: Xp21.1.
Variant type: single nucleotide variant.
Coding change: c.3162+254T>G on transcript NM_004006.3 (MANE Select); 254 bases into the intron after coding-DNA position 3162, T replaced by G.
Molecular consequence: intron variant.
Genome position (GRCh38, 1-based): chrX:32,468,244, A>C on the plus strand (T>G on the coding strand, the complement: DMD is on the minus strand). VCF-style: chrX-32468244-A-C. GRCh37 (hg19) VCF-style: chrX-32486361-A-C.
Other names: c.3138+254T>G (NM_000109.4); c.3150+254T>G (NM_004009.3); c.2793+254T>G (NM_004010.3).
Identifiers: ClinVar variation 681019 (VCV000681019.1), dbSNP rs56061889, ClinGen allele CA328004521.